The following is an entry in ClinVar:

NM_173354.5(SIK1):c.1300G>A (p.Val434Met)

Gene: SIK1 (salt inducible kinase 1; minus strand). Cytogenetic location: 21q22.3.
Variant type: single nucleotide variant.
Coding change: c.1300G>A on transcript NM_173354.5 (MANE Select); coding-DNA position 1300, G replaced by A.
Protein change: p.Val434Met; replaces valine 434 with methionine.
Molecular consequence: missense variant.
Genome position (GRCh38, 1-based): chr21:43,419,183, C>T on the plus strand (G>A on the coding strand, the complement: SIK1 is on the minus strand). VCF-style: chr21-43419183-C-T. GRCh37 (hg19) VCF-style: chr21-44839063-C-T.
Other names: short protein forms V434M.
Identifiers: ClinVar variation 833627 (VCV000833627.18), dbSNP rs111780079, ClinGen allele CA321325915.

ClinVar aggregate classification (germline): Likely benign. Review status: criteria provided, multiple submitters, no conflicts (2 of 4 stars). 3 submissions from 3 submitters: Likely benign (3). Last evaluated 2025-09-01.

Conditions:
Developmental and epileptic encephalopathy, 30 (DEE30). Also called: Epileptic encephalopathy, early infantile, 30. Identifiers: MedGen C4225360, MONDO:0014595, OMIM 616341.
Inborn genetic diseases. Identifiers: MedGen C0950123, MeSH D030342.

Submissions (3):

CeGaT Center for Human Genetics Tuebingen
Classification: Likely benign. Last evaluated: 2025-09-01. Review status: criteria provided, single submitter. Criteria: CeGaT Center For Human Genetics Tuebingen Variant Classification Criteria Version 2. Collection method: clinical testing. Allele origin: germline. Affected: yes. Observed: 1 variant allele.
Comment: SIK1: BP4, BS2

Labcorp Genetics (formerly Invitae), Labcorp
Classification: Likely benign for Developmental and epileptic encephalopathy, 30. Last evaluated: 2025-08-29. Review status: criteria provided, single submitter. Criteria: Invitae Variant Classification Sherloc (09022015). Collection method: clinical testing. Allele origin: germline.

Ambry Genetics
Classification: Likely benign for Inborn genetic diseases. Last evaluated: 2019-03-28. Review status: criteria provided, single submitter. Criteria: Ambry Variant Classification Scheme 2023. Collection method: clinical testing. Allele origin: germline.